The following is an entry in ClinVar:

NM_001130144.3(LTBP3):c.1834C>T (p.Arg612Cys)

Gene: LTBP3 (latent transforming growth factor beta binding protein 3; minus strand). Cytogenetic location: 11q13.1.
Variant type: single nucleotide variant.
Coding change: c.1834C>T on transcript NM_001130144.3 (MANE Select); coding-DNA position 1834, C replaced by T.
Protein change: p.Arg612Cys; replaces arginine 612 with cysteine.
Molecular consequence: missense variant.
Genome position (GRCh38, 1-based): chr11:65,547,932, G>A on the plus strand (C>T on the coding strand, the complement: LTBP3 is on the minus strand). VCF-style: chr11-65547932-G-A. GRCh37 (hg19) VCF-style: chr11-65315403-G-A.
Other names: c.1483C>T, p.Arg495Cys (NM_001164266.1); c.1834C>T, p.Arg612Cys (NM_021070.4); short protein forms R495C, R612C.
Identifiers: ClinVar variation 4711379 (VCV004711379.1).

ClinVar aggregate classification (germline): Uncertain significance (1 of 4 stars; one submission).

Conditions:
Brachyolmia-amelogenesis imperfecta syndrome. Also called: PLATYSPONDYLY WITH AMELOGENESIS IMPERFECTA; Tooth agenesis, selective, 6; Dental anomalies and short stature. Identifiers: Orphanet 2899, MedGen C1832594, MONDO:0011018, OMIM 601216. Disease mechanism: loss of function.

Submission:

Labcorp Genetics (formerly Invitae), Labcorp
Classification: Uncertain significance for Brachyolmia-amelogenesis imperfecta syndrome. Last evaluated: 2025-02-11. Review status: criteria provided, single submitter. Criteria: Invitae Variant Classification Sherloc (09022015). Collection method: clinical testing. Allele origin: germline.
Comment: This sequence change replaces arginine, which is basic and polar, with cysteine, which is neutral and slightly polar, at codon 612 of the LTBP3 protein (p.Arg612Cys). This variant is present in population databases (rs759136376, gnomAD 0.006%). This variant has not been reported in the literature in individuals affected with LTBP3-related conditions. An algorithm developed to predict the effect of missense changes on protein structure and function (PolyPhen-2) suggests that this variant is likely to be disruptive. In summary, the available evidence is currently insufficient to determine the role of this variant in disease. Therefore, it has been classified as a Variant of Uncertain Significance.